The following is an entry in ClinVar:

ClinVar aggregate classification (germline): Uncertain significance (1 of 4 stars; one submission).

Conditions:
Melanoma, cutaneous malignant, susceptibility to, 5. Also called: Cutaneous malignant melanoma 5. Identifiers: Orphanet 618, MedGen C2751295, MONDO:0013133, OMIM 613099.

Submission:

Labcorp Genetics (formerly Invitae), Labcorp
Classification: Uncertain significance for Melanoma, cutaneous malignant, susceptibility to, 5. Last evaluated: 2023-05-20. Review status: criteria provided, single submitter. Criteria: Invitae Variant Classification Sherloc (09022015). Collection method: clinical testing. Allele origin: germline.
Comment: In summary, the available evidence is currently insufficient to determine the role of this variant in disease. Therefore, it has been classified as a Variant of Uncertain Significance. Advanced modeling of protein sequence and biophysical properties (such as structural, functional, and spatial information, amino acid conservation, physicochemical variation, residue mobility, and thermodynamic stability) performed at Invitae indicates that this missense variant is expected to disrupt MC1R protein function. ClinVar contains an entry for this variant (Variation ID: 1982160). This missense change has been observed in individual(s) with melanoma (PMID: 16809487). This variant is present in population databases (rs748780226, gnomAD 0.03%). This sequence change replaces glycine, which is neutral and non-polar, with aspartic acid, which is acidic and polar, at codon 248 of the MC1R protein (p.Gly248Asp).

Literature cited by the submitters: PubMed 16809487.

NM_002386.4(MC1R):c.743G>A (p.Gly248Asp)

Gene: MC1R (melanocortin 1 receptor; plus strand). Cytogenetic location: 16q24.3.
Variant type: single nucleotide variant.
Coding change: c.743G>A on transcript NM_002386.4 (MANE Select); coding-DNA position 743, G replaced by A.
Protein change: p.Gly248Asp; replaces glycine 248 with aspartic acid.
Molecular consequence: missense variant.
Genome position (GRCh38, 1-based): chr16:89,920,001, G>A. VCF-style: chr16-89920001-G-A. GRCh37 (hg19) VCF-style: chr16-89986409-G-A.
Other names: short protein forms G248D.
Identifiers: ClinVar variation 1982160 (VCV001982160.4), dbSNP rs748780226, ClinGen allele CA8255730.